The following is an entry in ClinVar:

ClinVar aggregate classification (germline): Pathogenic/Likely pathogenic. Review status: criteria provided, multiple submitters, no conflicts (2 of 4 stars). 6 submissions from 6 submitters: Pathogenic (3); Likely pathogenic (3). Last evaluated 2026-07-23.

Conditions:
Autosomal recessive nonsyndromic hearing loss 21. Identifiers: Orphanet 90636, MedGen C1863655, MONDO:0011351, OMIM 603629.
TECTA-related disorder. Also called: TECTA-related condition.

Allele frequency attached by ClinVar (database versions not stated): TOPMed below 0.00001; gnomAD exomes 0.00002; ExAC 0.00003.
gnomAD v4.1: 25 of 1,609,764 alleles (0.0016%); highest among the groups gnomAD compares: Non-Finnish European, 0.002%; no homozygotes.

Submissions (6):

PreventionGenetics, part of Exact Sciences
Classification: Likely pathogenic for TECTA-related condition. Last evaluated: 2026-07-23. Review status: criteria provided, single submitter. Criteria: ACMG Guidelines, 2015. Collection method: clinical testing. Allele origin: germline.
Comment: The TECTA c.1756C>T variant is predicted to result in premature protein termination (p.Arg586*). This variant was reported along with a second truncating variant in an individual with non-syndromic hearing loss (Table S1, Shatokhina et al. 2022. PubMed ID: 36555390). This variant is reported in 0.0054% of alleles in individuals of East Asian descent in gnomAD. Nonsense variants in TECTA are expected to be pathogenic. This variant is interpreted as likely pathogenic.

GeneDx
Classification: Likely pathogenic. Last evaluated: 2023-08-02. Review status: criteria provided, single submitter. Criteria: GeneDx Variant Classification Process June 2021. Collection method: clinical testing. Allele origin: germline. Affected: yes.
Comment: Nonsense variant predicted to result in protein truncation or nonsense mediated decay in a gene for which loss of function is a known mechanism of disease; Has not been previously published as pathogenic or benign to our knowledge

King Laboratory, University of Washington
Classification: Pathogenic for Autosomal recessive nonsyndromic hearing loss 21. Last evaluated: 2023-02-28. Review status: criteria provided, single submitter. Criteria: Li et al. (Genet Med. 2022). Collection method: research. Allele origin: unknown. Affected: yes.
Comment: This variant occurred in compound heterozygosity with a TECTA missense variant in a patient with bilateral sensorineural hearing loss of onset <18 years, in a study of pediatric hearing loss conducted by the King Laboratory (Carlson RJ et al. JAMA-OtoHNS 2023). This variant is a nonsense that creates an early stop at position 586 of the otherwise 2155 amino acid TECTA protein. As of January 2023, this variant has not been reported to ClinVar and is found in 7 heterozygotes on gnomAD. Based on the prediction that this variant leads to a truncated protein and goodness of fit of genotype to phenotype, we conclude that this variant is pathogenic.

The Shared Resource Centre "Genome", Research Centre for Medical Genetics
Classification: Pathogenic for Autosomal recessive nonsyndromic hearing loss 21. Last evaluated: 2022-11-10. Review status: criteria provided, single submitter. Criteria: ACMG Guidelines, 2015. Collection method: clinical testing. Allele origin: germline. Affected: yes. Observed: 1 variant allele.

Blueprint Genetics
Classification: Likely pathogenic for TECTA-related disorders. Last evaluated: 2021-09-07. Review status: criteria provided, single submitter. Criteria: ACMG Guidelines, 2015. Collection method: clinical testing. Allele origin: germline. Affected: yes. Observed: 1 variant allele.

Kariminejad - Najmabadi Pathology & Genetics Center
Classification: Pathogenic for Autosomal recessive nonsyndromic hearing loss 21. Review status: criteria provided, single submitter. Criteria: ACMG Guidelines, 2015. Collection method: clinical testing. Allele origin: germline. Affected: no.

Literature cited by the submitters: PubMed 36633841 (cited by King Laboratory, University of Washington).

NM_005422.4(TECTA):c.1756C>T (p.Arg586Ter)

Genes: TBCEL-TECTA (TBCEL-TECTA readthrough; plus strand), TECTA (tectorin alpha; plus strand). Cytogenetic location: 11q23.3.
Variant type: single nucleotide variant.
Coding change: c.1756C>T on transcript NM_005422.4 (MANE Select); coding-DNA position 1756, C replaced by T.
Protein change: p.Arg586Ter; replaces arginine 586 with a stop codon.
Molecular consequence: nonsense.
Genome position (GRCh38, 1-based): chr11:121,125,854, C>T. VCF-style: chr11-121125854-C-T. GRCh37 (hg19) VCF-style: chr11-120996563-C-T.
Other names: c.2713C>T, p.Arg905Ter (NM_001378761.1); short protein forms R586*, R905*.
Identifiers: ClinVar variation 1704157 (VCV001704157.9), dbSNP rs764994708, ClinGen allele CA6326821.